The following is an entry in ClinVar:

ClinVar aggregate classification (germline): Uncertain significance (1 of 4 stars; one submission).

Conditions:
Dyskeratosis congenita, autosomal dominant 6 (DKCA6). Identifiers: Orphanet 3322, MedGen C4225284, MONDO:0014690, OMIM 616553.

Submission:

Labcorp Genetics (formerly Invitae), Labcorp
Classification: Uncertain significance for Dyskeratosis congenita, autosomal dominant 6. Last evaluated: 2024-09-10. Review status: criteria provided, single submitter. Criteria: Invitae Variant Classification Sherloc (09022015). Collection method: clinical testing. Allele origin: germline.
Comment: This sequence change creates a premature translational stop signal (p.Glu489*) in the ACD gene. It is expected to result in an absent or disrupted protein product. However, the current clinical and genetic evidence is not sufficient to establish whether loss-of-function variants in ACD cause disease. This variant is not present in population databases (gnomAD no frequency). This variant has not been reported in the literature in individuals affected with ACD-related conditions. Algorithms developed to predict the effect of sequence changes on RNA splicing suggest that this variant may disrupt the consensus splice site. In summary, the available evidence is currently insufficient to determine the role of this variant in disease. Therefore, it has been classified as a Variant of Uncertain Significance.

NM_001082486.2(ACD):c.1207G>T (p.Glu403Ter)

Gene: ACD (ACD shelterin complex subunit and telomerase recruitment factor; minus strand). Cytogenetic location: 16q22.1.
Variant type: single nucleotide variant.
Coding change: c.1207G>T on transcript NM_001082486.2 (MANE Select); coding-DNA position 1207, G replaced by T.
Protein change: p.Glu403Ter; replaces glutamic acid 403 with a stop codon.
Molecular consequence: nonsense.
Genome position (GRCh38, 1-based): chr16:67,657,853, C>A on the plus strand (G>T on the coding strand, the complement: ACD is on the minus strand). VCF-style: chr16-67657853-C-A. GRCh37 (hg19) VCF-style: chr16-67691756-C-A.
Other names: c.1120G>T, p.Glu374Ter (NM_001410884.1); c.1198G>T, p.Glu400Ter (NM_022914.3); short protein forms E400*, E403*, E374*.
Identifiers: ClinVar variation 3688914 (VCV003688914.2).